The following is an entry in ClinVar:

ClinVar aggregate classification (germline): Uncertain significance (1 of 4 stars; one submission).

Conditions:
Familial thoracic aortic aneurysm and aortic dissection (TAAD). Also called: Thoracic aortic aneurysms and dissections. Identifiers: Orphanet 91387, MedGen C4707243, MONDO:0019625.

Submission:

Color Diagnostics, LLC DBA Color Health
Classification: Uncertain significance for Familial thoracic aortic aneurysm and aortic dissection. Last evaluated: 2024-02-13. Review status: criteria provided, single submitter. Criteria: ACMG Guidelines, 2015. Collection method: clinical testing. Allele origin: germline.
Comment: This missense variant replaces alanine with valine at codon 353 of the SMAD3 protein. Computational prediction suggests that this variant may have deleterious impact on protein structure and function (internally defined REVEL score threshold >= 0.7, PMID: 27666373). To our knowledge, functional studies have not been reported for this variant. This variant has not been reported in individuals affected with SMAD3-related disorders in the literature. This variant has not been identified in the general population by the Genome Aggregation Database (gnomAD). The available evidence is insufficient to determine the role of this variant in disease conclusively. Therefore, this variant is classified as a Variant of Uncertain Significance.

NM_005902.4(SMAD3):c.1058C>T (p.Ala353Val)

Gene: SMAD3 (SMAD family member 3; plus strand). Cytogenetic location: 15q22.33.
Variant type: single nucleotide variant.
Coding change: c.1058C>T on transcript NM_005902.4 (MANE Select); coding-DNA position 1058, C replaced by T.
Protein change: p.Ala353Val; replaces alanine 353 with valine.
Molecular consequence: missense variant.
Genome position (GRCh38, 1-based): chr15:67,187,413, C>T. VCF-style: chr15-67187413-C-T. GRCh37 (hg19) VCF-style: chr15-67479751-C-T.
Other names: c.743C>T, p.Ala248Val (NM_001145102.2, NM_001407016.1); c.926C>T, p.Ala309Val (NM_001145103.2, NM_001407012.1); c.473C>T, p.Ala158Val (NM_001145104.2, NM_001407017.1); c.1169C>T, p.Ala390Val (NM_001407011.1); c.920C>T, p.Ala307Val (NM_001407013.1); c.911C>T, p.Ala304Val (NM_001407014.1); c.611C>T, p.Ala204Val (NM_001407015.1); short protein forms A158V, A204V, A248V, A304V, A307V, A309V, A353V, A390V.
Identifiers: ClinVar variation 3894480 (VCV003894480.1).
Genomic context (GRCh38, chr15:67,187,413, plus strand): 5'-TGTTTTTGGCAGGATGCAACCTGAAGATCTTCAACAACCAGGAGTTCGCTGCCCTCCTGG[C>T]CCAGTCGGTCAACCAGGGCTTTGAGGCTGTCTACCAGTTGACCCGAATGTGCACCATCCG-3'
Protein context (NP_005893.1, residues 343-363): FNNQEFAALL[Ala353Val]QSVNQGFEAV